The following is an entry in ClinVar:

ClinVar aggregate classification (germline): Uncertain significance (1 of 4 stars; one submission).

Conditions:
Joubert syndrome. Also called: CEREBELLOPARENCHYMAL DISORDER IV; JOUBERT-BOLTSHAUSER SYNDROME; Familial aplasia of the vermis. Identifiers: Orphanet 475, MedGen C5979921, MONDO:0018772.
Meckel-Gruber syndrome. Also called: DYSENCEPHALIA SPLANCHNOCYSTICA; GRUBER SYNDROME; Dysencephalia splachnocystica. Identifiers: Orphanet 564, MedGen C0265215, MONDO:0018921.

gnomAD v4.1: 2 of 1,613,314 alleles (0.00012%); highest among the groups gnomAD compares: Admixed American, 0.0033%; no homozygotes.

Submission:

Labcorp Genetics (formerly Invitae), Labcorp
Classification: Uncertain significance for Joubert syndrome; Meckel-Gruber syndrome. Last evaluated: 2022-09-13. Review status: criteria provided, single submitter. Criteria: Invitae Variant Classification Sherloc (09022015). Collection method: clinical testing. Allele origin: germline.
Comment: In summary, the available evidence is currently insufficient to determine the role of this variant in disease. Therefore, it has been classified as a Variant of Uncertain Significance. Advanced modeling of protein sequence and biophysical properties (such as structural, functional, and spatial information, amino acid conservation, physicochemical variation, residue mobility, and thermodynamic stability) performed at Invitae indicates that this missense variant is expected to disrupt TCTN2 protein function. This variant has not been reported in the literature in individuals affected with TCTN2-related conditions. This variant is present in population databases (no rsID available, gnomAD 0.003%). This sequence change replaces tryptophan, which is neutral and slightly polar, with glycine, which is neutral and non-polar, at codon 389 of the TCTN2 protein (p.Trp389Gly).

NM_024809.5(TCTN2):c.1165T>G (p.Trp389Gly)

Gene: TCTN2 (tectonic family member 2; plus strand). Cytogenetic location: 12q24.31.
Variant type: single nucleotide variant.
Coding change: c.1165T>G on transcript NM_024809.5 (MANE Select); coding-DNA position 1165, T replaced by G.
Protein change: p.Trp389Gly; replaces tryptophan 389 with glycine.
Molecular consequence: missense variant.
Genome position (GRCh38, 1-based): chr12:123,694,907, T>G. VCF-style: chr12-123694907-T-G. GRCh37 (hg19) VCF-style: chr12-124179454-T-G.
Other names: c.1162T>G, p.Trp388Gly (NM_001143850.3); short protein forms W388G, W389G.
Identifiers: ClinVar variation 2196043 (VCV002196043.2), dbSNP rs200080239, ClinGen allele CA387142313.